The following is an entry in ClinVar:

NM_018109.4(MTPAP):c.1025T>C (p.Ile342Thr)

Gene: MTPAP (mitochondrial poly(A) polymerase; minus strand). Cytogenetic location: 10p11.23.
Variant type: single nucleotide variant.
Coding change: c.1025T>C on transcript NM_018109.4 (MANE Select); coding-DNA position 1025, T replaced by C.
Protein change: p.Ile342Thr; replaces isoleucine 342 with threonine.
Molecular consequence: missense variant.
Genome position (GRCh38, 1-based): chr10:30,322,585, A>G on the plus strand (T>C on the coding strand, the complement: MTPAP is on the minus strand). VCF-style: chr10-30322585-A-G. GRCh37 (hg19) VCF-style: chr10-30611514-A-G.
Other names: short protein forms I342T.
Identifiers: ClinVar variation 2127332 (VCV002127332.4), dbSNP rs772735834, ClinGen allele CA376436629.

ClinVar aggregate classification (germline): Uncertain significance (1 of 4 stars; one submission).

Allele frequency attached by ClinVar (database versions not stated): gnomAD 0.00001; TOPMed 0.00004.
gnomAD v4.1: 4 of 1,613,818 alleles (0.00025%); highest among the groups gnomAD compares: Admixed American, 0.005%; no homozygotes.

Submission:

Labcorp Genetics (formerly Invitae), Labcorp
Classification: Uncertain significance. Last evaluated: 2022-04-17. Review status: criteria provided, single submitter. Criteria: Invitae Variant Classification Sherloc (09022015). Collection method: clinical testing. Allele origin: germline.
Comment: This variant is present in population databases (no rsID available, gnomAD 0.006%). In summary, the available evidence is currently insufficient to determine the role of this variant in disease. Therefore, it has been classified as a Variant of Uncertain Significance. Algorithms developed to predict the effect of missense changes on protein structure and function are either unavailable or do not agree on the potential impact of this missense change (SIFT: "Deleterious"; PolyPhen-2: "Possibly Damaging"; Align-GVGD: "Class C0"). This variant has not been reported in the literature in individuals affected with MTPAP-related conditions. This sequence change replaces isoleucine, which is neutral and non-polar, with threonine, which is neutral and polar, at codon 342 of the MTPAP protein (p.Ile342Thr).